The following is an entry in ClinVar:

ClinVar aggregate classification (germline): Uncertain significance (1 of 4 stars; one submission).

Conditions:
Hereditary cancer-predisposing syndrome. Also called: Neoplastic Syndromes, Hereditary; Tumor predisposition; Hereditary Cancer Syndrome; Hereditary neoplastic syndrome. Identifiers: Orphanet 140162, MedGen C0027672, MeSH D009386, MONDO:0015356.

Submission:

Ambry Genetics
Classification: Uncertain significance for Hereditary cancer-predisposing syndrome. Last evaluated: 2020-11-06. Review status: criteria provided, single submitter. Criteria: Ambry Variant Classification Scheme 2023. Collection method: clinical testing. Allele origin: germline.
Comment: The p.W524R variant (also known as c.1570T>A), located in coding exon 9 of the ATM gene, results from a T to A substitution at nucleotide position 1570. The tryptophan at codon 524 is replaced by arginine, an amino acid with dissimilar properties. This amino acid position is highly conserved in available vertebrate species. In addition, this alteration is predicted to be deleterious by in silico analysis. Since supporting evidence is limited at this time, the clinical significance of this alteration remains unclear.

NM_000051.4(ATM):c.1570T>A (p.Trp524Arg)

Gene: ATM (ATM serine/threonine kinase; plus strand). Cytogenetic location: 11q22.3.
Variant type: single nucleotide variant.
Coding change: c.1570T>A on transcript NM_000051.4 (MANE Select); coding-DNA position 1570, T replaced by A.
Protein change: p.Trp524Arg; replaces tryptophan 524 with arginine.
Molecular consequence: missense variant.
Genome position (GRCh38, 1-based): chr11:108,251,035, T>A. VCF-style: chr11-108251035-T-A. GRCh37 (hg19) VCF-style: chr11-108121762-T-A.
Other names: c.1570T>A, p.Trp524Arg (NM_001351834.2); short protein forms W524R.
Identifiers: ClinVar variation 1775507 (VCV001775507.2), dbSNP rs2497252580, ClinGen allele CA382534380.
Genomic context (GRCh38, chr11:108,251,035, plus strand): 5'-AACTTTGGCTTACTTGGAGCCATAATTCAGGGTAGTTTAGTTGAGGTTGACAGAGAATTC[T>A]GGAAGTTATTTACTGGGTCAGCCTGCAGACCTTCATGGTAAGTTCAGCATGCATTATGTC-3'
Protein context (NP_000042.3, residues 514-534): GSLVEVDREF[Trp524Arg]KLFTGSACRP